The following is an entry in ClinVar:

ClinVar aggregate classification (germline): Pathogenic (1 of 4 stars; one submission).

Conditions:
Wiskott-Aldrich syndrome (WAS). Also called: ALDRICH SYNDROME; IMMUNODEFICIENCY 2; WISKOTT-ALDRICH SYNDROME 1; Wiskott-aldrich syndrome, somatic. Identifiers: Orphanet 906, MedGen C0043194, MONDO:0010518, OMIM 301000.

Submission:

Women's Health and Genetics/Laboratory Corporation of America, LabCorp
Classification: Pathogenic for Wiskott-Aldrich syndrome. Last evaluated: 2025-09-04. Review status: criteria provided, single submitter. Criteria: LabCorp Variant Classification Summary - May 2015. Collection method: clinical testing. Allele origin: germline.
Comment: Variant summary: WAS c.355G>A (p.Gly119Arg) results in a non-conservative amino acid change in the encoded protein sequence. Algorithms developed to predict the effect of missense changes on protein structure and function all suggest that this variant is likely to be disruptive. The variant was absent in 155886 control chromosomes. c.355G>A has been observed in multiple individuals affected with Wiskott-Aldrich Syndrome or X-linked thrombocytopenia, including related individuals (e.g. Charrier_2007, Albert_2010, Gulacsy_2011, Simon_2014). These data indicate that the variant is very likely to be associated with disease. The following publications have been ascertained in the context of this evaluation (PMID: 20173115, 17051251, 21185603, 24210885). No submitters have cited clinical-significance assessments for this variant to ClinVar. Based on the evidence outlined above, the variant was classified as pathogenic.

Literature cited by the submitters: PubMed 20173115; PubMed 24210885; PubMed 21185603; PubMed 17051251.

NM_000377.3(WAS):c.355G>A (p.Gly119Arg)

Gene: WAS (WASP actin nucleation promoting factor; plus strand). Cytogenetic location: Xp11.23.
Variant type: single nucleotide variant.
Coding change: c.355G>A on transcript NM_000377.3 (MANE Select); coding-DNA position 355, G replaced by A.
Protein change: p.Gly119Arg; replaces glycine 119 with arginine.
Molecular consequence: missense variant.
Genome position (GRCh38, 1-based): chrX:48,685,628, G>A. VCF-style: chrX-48685628-G-A. GRCh37 (hg19) VCF-style: chrX-48544017-G-A.
Other names: c.355G>A, p.Gly119Arg (NM_001438876.1, NM_001438877.1, NM_001438878.1 and 1 more transcripts); short protein forms G119R.
Identifiers: ClinVar variation 4535823 (VCV004535823.1).